The following is an entry in ClinVar:

NM_000807.4(GABRA2):c.1313C>A (p.Ala438Asp)

Gene: GABRA2 (gamma-aminobutyric acid type A receptor subunit alpha2; minus strand). Cytogenetic location: 4p12.
Variant type: single nucleotide variant.
Coding change: c.1313C>A on transcript NM_000807.4 (MANE Select); coding-DNA position 1313, C replaced by A.
Protein change: p.Ala438Asp; replaces alanine 438 with aspartic acid.
Molecular consequence: missense variant.
Genome position (GRCh38, 1-based): chr4:46,250,351, G>T on the plus strand (C>A on the coding strand, the complement: GABRA2 is on the minus strand). VCF-style: chr4-46250351-G-T. GRCh37 (hg19) VCF-style: chr4-46252368-G-T.
Other names: c.1313C>A, p.Ala438Asp (NM_001114175.3, NM_001377146.1, NM_001377147.1 and 4 more transcripts); c.1328C>A, p.Ala443Asp (NM_001286827.3); c.1493C>A, p.Ala498Asp (NM_001330690.2, NM_001377144.1, NM_001377145.1); c.1148C>A, p.Ala383Asp (NM_001377152.1, NM_001377153.1, NM_001377154.1); short protein forms A383D, A438D, A443D, A498D.
Identifiers: ClinVar variation 4808940 (VCV004808940.1).
Genomic context (GRCh38, chr4:46,250,351, plus strand): 5'-ATAACATGGGTCTCAATTCAAGGACTGACCCCTAATACAGGTTCTCTGTTTAAATATGTA[G>T]CCCAGTAAACTAAATTAAAGGTACCAAACAAAACTGGAAAAACTATTCTGGACATTCTGT-3'
Protein context (NP_000798.2, residues 428-448): LFGTFNLVYW[Ala438Asp]TYLNREPVLG

ClinVar aggregate classification (germline): Uncertain significance (1 of 4 stars; one submission).

Submission:

Labcorp Genetics (formerly Invitae), Labcorp
Classification: Uncertain significance. Last evaluated: 2025-09-25. Review status: criteria provided, single submitter. Criteria: Invitae Variant Classification Sherloc (09022015). Collection method: clinical testing. Allele origin: germline.
Comment: This sequence change replaces alanine, which is neutral and non-polar, with aspartic acid, which is acidic and polar, at codon 498 of the GABRA2 protein (p.Ala498Asp). This variant is not present in population databases (gnomAD no frequency). This variant has not been reported in the literature in individuals affected with GABRA2-related conditions. Experimental studies and prediction algorithms are not available or were not evaluated, and the functional significance of this variant is currently unknown. In summary, the available evidence is currently insufficient to determine the role of this variant in disease. Therefore, it has been classified as a Variant of Uncertain Significance.